The following is an entry in ClinVar:

ClinVar aggregate classification (germline): Likely benign. Review status: criteria provided, multiple submitters, no conflicts (2 of 4 stars). 3 submissions from 3 submitters: Likely benign (2). 1 of the submissions does not count toward it. Last evaluated 2018-06-01.

Conditions:
PDGFRB-related disorder. Also called: PDGFRB-related condition.

Allele frequency attached by ClinVar (database versions not stated): gnomAD 0.00001; gnomAD exomes 0.00001 and 0.00003; TOPMed 0.00001; ExAC 0.00003.
gnomAD v4.1: 19 of 1,610,938 alleles (0.0012%); highest among the groups gnomAD compares: South Asian, 0.0044%; no homozygotes.

Submissions (3):

CeGaT Center for Human Genetics Tuebingen
Classification: Likely benign. Last evaluated: 2018-06-01. Review status: criteria provided, single submitter. Criteria: CeGaT Center For Human Genetics Tuebingen Variant Classification Criteria Version 2. Collection method: clinical testing. Allele origin: germline. Affected: yes. Observed: 1 variant allele.

Breakthrough Genomics
Classification: Likely benign. Review status: criteria provided, single submitter. Criteria: ACMG Guidelines, 2015. Collection method: not provided. Allele origin: germline. Inheritance: Autosomal dominant inheritance. Affected: yes.

PreventionGenetics, part of Exact Sciences
Classification: Likely benign for PDGFRB-related condition. Last evaluated: 2019-09-20. Review status: no assertion criteria provided. Collection method: clinical testing. Allele origin: germline. Not counted in ClinVar's aggregate classification.
Comment: This variant is classified as likely benign based on ACMG/AMP sequence variant interpretation guidelines (Richards et al. 2015 PMID: 25741868, with internal and published modifications).

NM_002609.4(PDGFRB):c.141C>T (p.Ser47=)

Gene: PDGFRB (platelet derived growth factor receptor beta; minus strand). Cytogenetic location: 5q32.
Variant type: single nucleotide variant.
Coding change: c.141C>T on transcript NM_002609.4 (MANE Select); coding-DNA position 141, C replaced by T.
Protein change: p.Ser47=; no amino-acid change (serine 47 retained).
Molecular consequence: synonymous variant. On other transcripts: 5 prime UTR variant (2).
Genome position (GRCh38, 1-based): chr5:150,135,778, G>A on the plus strand (C>T on the coding strand, the complement: PDGFRB is on the minus strand). VCF-style: chr5-150135778-G-A. GRCh37 (hg19) VCF-style: chr5-149515341-G-A.
Other names: c.-52C>T (NM_001355016.2); c.-377C>T (NM_001355017.2); c.141C>T (NM_002609.3).
Identifiers: ClinVar variation 809828 (VCV000809828.44), dbSNP rs754041602, ClinGen allele CA3508399.